The following is an entry in ClinVar:

NM_003482.4(KMT2D):c.50-3C>T

Gene: KMT2D (lysine methyltransferase 2D; minus strand). Cytogenetic location: 12q13.12.
Variant type: single nucleotide variant.
Coding change: c.50-3C>T on transcript NM_003482.4 (MANE Select); 3 bases into the intron before coding-DNA position 50, C replaced by T.
Molecular consequence: intron variant.
Genome position (GRCh38, 1-based): chr12:49,055,029, G>A on the plus strand (C>T on the coding strand, the complement: KMT2D is on the minus strand). VCF-style: chr12-49055029-G-A. GRCh37 (hg19) VCF-style: chr12-49448812-G-A.
Identifiers: ClinVar variation 4738267 (VCV004738267.1).

ClinVar aggregate classification (germline): Uncertain significance (1 of 4 stars; one submission).

Conditions:
Kabuki syndrome. Also called: NIIKAWA-KUROKI SYNDROME; Kabuki make-up syndrome. Identifiers: Orphanet 2322, MedGen C0796004, MONDO:0016512.

Submission:

Labcorp Genetics (formerly Invitae), Labcorp
Classification: Uncertain significance for Kabuki syndrome. Last evaluated: 2025-04-02. Review status: criteria provided, single submitter. Criteria: Invitae Variant Classification Sherloc (09022015). Collection method: clinical testing. Allele origin: germline.
Comment: This sequence change falls in intron 1 of the KMT2D gene. It does not directly change the encoded amino acid sequence of the KMT2D protein. It affects a nucleotide within the consensus splice site. This variant is not present in population databases (gnomAD no frequency). This variant has not been reported in the literature in individuals affected with KMT2D-related conditions. Variants that disrupt the consensus splice site are a relatively common cause of aberrant splicing (PMID: 17576681, 9536098). Algorithms developed to predict the effect of sequence changes on RNA splicing suggest that this variant is not likely to affect RNA splicing. In summary, the available evidence is currently insufficient to determine the role of this variant in disease. Therefore, it has been classified as a Variant of Uncertain Significance.

Literature cited by the submitters: PubMed 17576681; PubMed 9536098.